The following is an entry in ClinVar:

NM_000022.4(ADA):c.349T>C (p.Trp117Arg)

Gene: ADA (adenosine deaminase; minus strand). Cytogenetic location: 20q13.12.
Variant type: single nucleotide variant.
Coding change: c.349T>C on transcript NM_000022.4 (MANE Select); coding-DNA position 349, T replaced by C.
Protein change: p.Trp117Arg; replaces tryptophan 117 with arginine.
Molecular consequence: missense variant. On other transcripts: synonymous variant (1), non-coding transcript variant (1).
Genome position (GRCh38, 1-based): chr20:44,626,469, A>G on the plus strand (T>C on the coding strand, the complement: ADA is on the minus strand). VCF-style: chr20-44626469-A-G. GRCh37 (hg19) VCF-style: chr20-43255110-A-G.
Other names: c.349T>C (NM_000022.2); c.60T>C, p.Pro20= (NM_001322050.2); c.349T>C, p.Trp117Arg (NM_001322051.2); short protein forms W117R.
Identifiers: ClinVar variation 1046026 (VCV001046026.12), dbSNP rs771162170, ClinGen allele CA9871702.

ClinVar aggregate classification (germline): Uncertain significance. Review status: criteria provided, multiple submitters, no conflicts (2 of 4 stars). 4 submissions from 4 submitters: Uncertain significance (3). 1 of the submissions does not count toward it. Last evaluated 2021-11-02.

Conditions:
Severe combined immunodeficiency, autosomal recessive, T cell-negative, B cell-negative, NK cell-negative, due to adenosine deaminase deficiency. Also called: ADA-SCID; ADA deficiency; Adenosine deaminase deficient severe combined immunodeficiency; Severe combined immunodeficiency due to ADA deficiency; Adenosine Deaminase Deficiency; SCID DUE TO ADA DEFICIENCY. Identifiers: Orphanet 277, MedGen C0392607, MONDO:0007064, OMIM 102700.

Allele frequency attached by ClinVar (database versions not stated): TOPMed below 0.00001; ExAC 0.00001; gnomAD 0.00001; gnomAD exomes 0.00001.
gnomAD v4.1: 13 of 1,613,840 alleles (0.00081%); highest among the groups gnomAD compares: Admixed American, 0.022%; no homozygotes.

Submissions (4):

Fulgent Genetics
Classification: Uncertain significance for Severe combined immunodeficiency, autosomal recessive, T cell-negative, B cell-negative, NK cell-negative, due to adenosine deaminase deficiency. Last evaluated: 2021-11-02. Review status: criteria provided, single submitter. Criteria: ACMG Guidelines, 2015. Collection method: clinical testing. Allele origin: unknown.

Labcorp Genetics (formerly Invitae), Labcorp
Classification: Uncertain significance for Severe combined immunodeficiency, autosomal recessive, T cell-negative, B cell-negative, NK cell-negative, due to adenosine deaminase deficiency. Last evaluated: 2021-08-26. Review status: criteria provided, single submitter. Criteria: Invitae Variant Classification Sherloc (09022015). Collection method: clinical testing. Allele origin: germline.
Comment: This sequence change replaces tryptophan with arginine at codon 117 of the ADA protein (p.Trp117Arg). The tryptophan residue is highly conserved and there is a moderate physicochemical difference between tryptophan and arginine. This variant is present in population databases (rs771162170, ExAC 0.009%). This variant has not been reported in the literature in individuals affected with ADA-related conditions. Algorithms developed to predict the effect of missense changes on protein structure and function are either unavailable or do not agree on the potential impact of this missense change (SIFT: "Deleterious"; PolyPhen-2: "Probably Damaging"; Align-GVGD: "Class C0"). In summary, the available evidence is currently insufficient to determine the role of this variant in disease. Therefore, it has been classified as a Variant of Uncertain Significance.

Revvity Omics, Revvity
Classification: Uncertain significance for Severe combined immunodeficiency, autosomal recessive, T cell-negative, B cell-negative, NK cell-negative, due to adenosine deaminase deficiency. Last evaluated: 2019-10-29. Review status: criteria provided, single submitter. Criteria: ACMG Guidelines, 2015. Collection method: clinical testing. Allele origin: germline.

Natera, Inc.
Classification: Uncertain significance for Severe combined immunodeficiency due to ADA deficiency. Last evaluated: 2020-07-05. Review status: no assertion criteria provided. Collection method: clinical testing. Allele origin: germline. Not counted in ClinVar's aggregate classification.